The following is an entry in ClinVar:

ClinVar aggregate classification (germline): Uncertain significance. Review status: criteria provided, multiple submitters, no conflicts (2 of 4 stars). 2 submissions from 2 submitters: Uncertain significance (2). Last evaluated 2025-09-02.

Conditions:
Epilepsy, childhood absence, susceptibility to, 6. Identifiers: Orphanet 64280, MedGen C2749872, MONDO:0012763, OMIM 611942.
Hyperaldosteronism, familial, type IV (HALD4). Also called: FH IV; ALDOSTERONISM, PRIMARY, AND HYPERTENSION. Identifiers: Orphanet 642671, MedGen C4310756, MONDO:0014875, OMIM 617027.
Idiopathic generalized epilepsy. Also called: Generalised epilepsy; EIG. Identifiers: MedGen C0270850, MONDO:0005579, OMIM 600669.

Allele frequency attached by ClinVar (database versions not stated): gnomAD exomes 0.00001.
gnomAD v4.1: 7 of 1,584,818 alleles (0.00044%); highest among the groups gnomAD compares: African/African-American, 0.0054%; no homozygotes.

Submissions (2):

Labcorp Genetics (formerly Invitae), Labcorp
Classification: Uncertain significance for Idiopathic generalized epilepsy; Hyperaldosteronism, familial, type IV. Last evaluated: 2025-09-02. Review status: criteria provided, single submitter. Criteria: Invitae Variant Classification Sherloc (09022015). Collection method: clinical testing. Allele origin: germline.
Comment: This sequence change replaces aspartic acid, which is acidic and polar, with glycine, which is neutral and non-polar, at codon 877 of the CACNA1H protein (p.Asp877Gly). The frequency data for this variant in the population databases is considered unreliable, as metrics indicate poor data quality at this position in the gnomAD database. This variant has not been reported in the literature in individuals affected with CACNA1H-related conditions. ClinVar contains an entry for this variant (Variation ID: 854909). Invitae Evidence Modeling of protein sequence and biophysical properties (such as structural, functional, and spatial information, amino acid conservation, physicochemical variation, residue mobility, and thermodynamic stability) indicates that this missense variant is not expected to disrupt CACNA1H protein function with a negative predictive value of 80%. In summary, the available evidence is currently insufficient to determine the role of this variant in disease. Therefore, it has been classified as a Variant of Uncertain Significance.

Fulgent Genetics
Classification: Uncertain significance for Epilepsy, childhood absence, susceptibility to, 6; Hyperaldosteronism, familial, type IV. Last evaluated: 2024-03-07. Review status: criteria provided, single submitter. Criteria: ACMG Guidelines, 2015. Collection method: clinical testing. Allele origin: germline.

NM_021098.3(CACNA1H):c.2630A>G (p.Asp877Gly)

Gene: CACNA1H (calcium voltage-gated channel subunit alpha1 H; plus strand). Cytogenetic location: 16p13.3.
Variant type: single nucleotide variant.
Coding change: c.2630A>G on transcript NM_021098.3 (MANE Select); coding-DNA position 2630, A replaced by G.
Protein change: p.Asp877Gly; replaces aspartic acid 877 with glycine.
Molecular consequence: missense variant.
Genome position (GRCh38, 1-based): chr16:1,206,130, A>G. VCF-style: chr16-1206130-A-G. GRCh37 (hg19) VCF-style: chr16-1256130-A-G.
Other names: c.2630A>G, p.Asp877Gly (NM_001005407.2); short protein forms D877G.
Identifiers: ClinVar variation 854909 (VCV000854909.10), dbSNP rs547376627, ClinGen allele CA276659422.